The following is an entry in ClinVar:

ClinVar aggregate classification (germline): Uncertain significance. Review status: criteria provided, multiple submitters, no conflicts (2 of 4 stars). 2 submissions from 2 submitters: Uncertain significance (2). Last evaluated 2025-05-11.

Conditions:
Charcot-Marie-Tooth disease type 2. Also called: Charcot-Marie-Tooth type 2. Identifiers: Orphanet 64746, MedGen C0270914, MONDO:0018993.

gnomAD v4.1: 1 of 1,614,112 alleles (0.000062%); highest among the groups gnomAD compares: Admixed American, 0.0017%; no homozygotes.

Submissions (2):

Labcorp Genetics (formerly Invitae), Labcorp
Classification: Uncertain significance for Charcot-Marie-Tooth disease type 2. Last evaluated: 2025-05-11. Review status: criteria provided, single submitter. Criteria: Invitae Variant Classification Sherloc (09022015). Collection method: clinical testing. Allele origin: germline.
Comment: This sequence change replaces threonine, which is neutral and polar, with proline, which is neutral and non-polar, at codon 785 of the AARS protein (p.Thr785Pro). This variant is present in population databases (rs762170680, gnomAD 0.003%). This variant has not been reported in the literature in individuals affected with AARS-related conditions. ClinVar contains an entry for this variant (Variation ID: 3376075). An algorithm developed to predict the effect of missense changes on protein structure and function (PolyPhen-2) suggests that this variant is likely to be disruptive. In summary, the available evidence is currently insufficient to determine the role of this variant in disease. Therefore, it has been classified as a Variant of Uncertain Significance.

GeneDx
Classification: Uncertain significance. Last evaluated: 2024-05-03. Review status: criteria provided, single submitter. Criteria: GeneDx Variant Classification Process June 2021. Collection method: clinical testing. Allele origin: germline. Affected: yes.
Comment: Not observed at significant frequency in large population cohorts (gnomAD); In silico analysis indicates that this missense variant does not alter protein structure/function; Has not been previously published as pathogenic or benign to our knowledge; This variant is associated with the following publications: (PMID: 25817015)

NM_001605.3(AARS1):c.2353A>C (p.Thr785Pro)

Gene: AARS1 (alanyl-tRNA synthetase 1; minus strand). Cytogenetic location: 16q22.1.
Variant type: single nucleotide variant.
Coding change: c.2353A>C on transcript NM_001605.3 (MANE Select); coding-DNA position 2353, A replaced by C.
Protein change: p.Thr785Pro; replaces threonine 785 with proline.
Molecular consequence: missense variant.
Genome position (GRCh38, 1-based): chr16:70,254,668, T>G on the plus strand (A>C on the coding strand, the complement: AARS1 is on the minus strand). VCF-style: chr16-70254668-T-G. GRCh37 (hg19) VCF-style: chr16-70288571-T-G.
Other names: short protein forms T785P.
Identifiers: ClinVar variation 3376075 (VCV003376075.2).